The following is an entry in ClinVar:

ClinVar aggregate classification (germline): Uncertain significance (1 of 4 stars; one submission).

Conditions:
MHC class I deficiency. Identifiers: Orphanet 34592, MedGen C6024714, MONDO:0011476.

Submission:

Labcorp Genetics (formerly Invitae), Labcorp
Classification: Uncertain significance for MHC class I deficiency 1. Last evaluated: 2021-02-19. Review status: criteria provided, single submitter. Criteria: Invitae Variant Classification Sherloc (09022015). Collection method: clinical testing. Allele origin: germline.
Comment: This sequence change creates a premature translational stop signal (p.Thr188Hisfs*26) in the TAPBP gene. It is expected to result in an absent or disrupted protein product. However, the current clinical and genetic evidence is not sufficient to establish whether loss-of-function variants in TAPBP cause disease. This variant is present in population databases (rs748799310, ExAC 0.002%). This variant has not been reported in the literature in individuals with TAPBP-related conditions. In summary, the available evidence is currently insufficient to determine the role of this variant in disease. Therefore, it has been classified as a Variant of Uncertain Significance.

NM_003190.5(TAPBP):c.561dup (p.Thr188fs)

Gene: TAPBP (TAP binding protein; minus strand). Cytogenetic location: 6p21.32.
Variant type: Duplication.
Coding change: c.561dup on transcript NM_003190.5 (MANE Select); coding-DNA position 561, one base duplicated (C; older notation c.561dupC).
Protein change: p.Thr188fs; shifts the reading frame from threonine 188.
Molecular consequence: frameshift variant.
Genome position (GRCh38, 1-based): chr6:33,305,296, G duplicated on the plus strand (C on the coding strand, the reverse complement: TAPBP is on the minus strand); the first of 6 consecutive G bases (chr6:33,305,296-33,305,301); duplicating any one gives the same sequence. VCF-style (leftmost placement, unchanged base first): chr6-33305295-T-TG. GRCh37 (hg19) VCF-style: chr6-33273072-T-TG.
Other names: c.561dup, p.Thr188fs (NM_172208.3); c.300dup, p.Thr101fs (NM_172209.3); short protein forms T101fs, T188fs.
Identifiers: ClinVar variation 1462690 (VCV001462690.6), dbSNP rs748799310, ClinGen allele CA3755859.
Genomic context (GRCh38, chr6:33,305,295, plus strand): 5'-GTCGCCACTCTAGCCCAAAGGGAGGGGGACCCGGAGCCAGAGATGAGGCGGCCTCGGAGG[T>TG]GGGGGGCATGTAGGCAAAGCTCAAGTCCAGCAGAGCATCTTGTCCCAGTCTCACTCGAGG-3'